The following is an entry in ClinVar:

ClinVar aggregate classification (germline): Conflicting classifications of pathogenicity. Review status: criteria provided, conflicting classifications (1 of 4 stars). 4 submissions from 4 submitters: Uncertain significance (3); Likely benign (1). Last evaluated 2026-01-08.

Conditions:
Hereditary cancer-predisposing syndrome. Also called: Hereditary Cancer Syndrome; Hereditary neoplastic syndrome; Neoplastic Syndromes, Hereditary; Tumor predisposition. Identifiers: Orphanet 140162, MedGen C0027672, MeSH D009386, MONDO:0015356.
POLD1-related polyposis and colorectal cancer syndrome (CRCS10). Also called: Colorectal cancer, susceptibility to, 10; Colorectal cancer 10; COLORECTAL CANCER, SUSCEPTIBILITY TO, ON CHROMOSOME 19q. Identifiers: Orphanet 220460, MedGen C2675481, MONDO:0012953, OMIM 612591.
Immunodeficiency 120. Identifiers: MedGen C5935622, MONDO:0970994, OMIM 620836.
Mandibular hypoplasia-deafness-progeroid syndrome. Also called: Mandibular hypoplasia, deafness, progeroid features, and lipodystrophy syndrome. Identifiers: Orphanet 363649, MedGen C3715192, MONDO:0014157, OMIM 615381.

gnomAD v4.1: 1 of 1,610,888 alleles (0.000062%); highest among the groups gnomAD compares: South Asian, 0.0011%; no homozygotes.

Submissions (4):

Labcorp Genetics (formerly Invitae), Labcorp
Classification: Likely benign for POLD1-related polyposis and colorectal cancer syndrome. Last evaluated: 2026-01-08. Review status: criteria provided, single submitter. Criteria: Invitae Variant Classification Sherloc (09022015). Collection method: clinical testing. Allele origin: germline.

Ambry Genetics
Classification: Uncertain significance for Hereditary cancer-predisposing syndrome. Last evaluated: 2025-01-13. Review status: criteria provided, single submitter. Criteria: Ambry Variant Classification Scheme 2023. Collection method: clinical testing. Allele origin: germline.
Comment: The c.1138-3C>A intronic variant results from a C to A substitution 3 nucleotides upstream from coding exon 9 in the POLD1 gene. This nucleotide position is well conserved in available vertebrate species. In silico splice site analysis predicts that this alteration will not have any significant effect on splicing. Based on the available evidence, the clinical significance of this variant remains unclear.

Quest Diagnostics Nichols Institute San Juan Capistrano
Classification: Uncertain significance. Last evaluated: 2024-02-07. Review status: criteria provided, single submitter. Criteria: Quest Diagnostics criteria. Collection method: clinical testing. Allele origin: unknown.
Comment: The POLD1 c.1138-3C>A variant has not been reported in individuals with POLD1-related conditions in the published literature. It also has not been reported in large, multi-ethnic general populations (Genome Aggregation Database). Analysis of this variant using software algorithms for the prediction of the effect of nucleotide changes on splicing yielded predictions that this variant may affect proper POLD1 mRNA splicing. Based on the available information, we are unable to determine the clinical significance of this variant.

Fulgent Genetics
Classification: Uncertain significance for POLD1-related polyposis and colorectal cancer syndrome; Mandibular hypoplasia-deafness-progeroid syndrome; Immunodeficiency 120. Last evaluated: 2024-01-16. Review status: criteria provided, single submitter. Criteria: ACMG Guidelines, 2015. Collection method: clinical testing. Allele origin: germline.

NM_002691.4(POLD1):c.1138-3C>A

Gene: POLD1 (DNA polymerase delta 1, catalytic subunit; plus strand). Cytogenetic location: 19q13.33.
Variant type: single nucleotide variant.
Coding change: c.1138-3C>A on transcript NM_002691.4 (MANE Select); 3 bases into the intron before coding-DNA position 1138, C replaced by A.
Molecular consequence: intron variant.
Genome position (GRCh38, 1-based): chr19:50,403,490, C>A. VCF-style: chr19-50403490-C-A. GRCh37 (hg19) VCF-style: chr19-50906747-C-A.
Other names: c.1138-3C>A (NM_001256849.1, NM_001308632.1).
Identifiers: ClinVar variation 818414 (VCV000818414.17), dbSNP rs200072694, ClinGen allele CA915951929.